The following is an entry in ClinVar:

ClinVar aggregate classification (germline): Pathogenic. Review status: criteria provided, multiple submitters, no conflicts (2 of 4 stars). 2 submissions from 2 submitters: Pathogenic (2). Last evaluated 2026-02-20.

Conditions:
Joubert syndrome. Also called: JOUBERT-BOLTSHAUSER SYNDROME; Familial aplasia of the vermis. Identifiers: Orphanet 475, MedGen C5979921, MONDO:0018772.
Meckel-Gruber syndrome. Also called: DYSENCEPHALIA SPLANCHNOCYSTICA; GRUBER SYNDROME; Dysencephalia splachnocystica. Identifiers: Orphanet 564, MedGen C0265215, MONDO:0018921.
Joubert syndrome and related disorders. Identifiers: Orphanet 140874, MedGen C5679612, MONDO:0015369.

Allele frequency attached by ClinVar (database versions not stated): gnomAD exomes below 0.00001 and 0.00001; ExAC 0.00001.
gnomAD v4.1: 4 of 1,614,080 alleles (0.00025%); highest among the groups gnomAD compares: South Asian, 0.0033%; no homozygotes.

Submissions (2):

Women's Health and Genetics/Laboratory Corporation of America, LabCorp
Classification: Pathogenic for Joubert syndrome and related disorders. Last evaluated: 2026-02-20. Review status: criteria provided, single submitter. Criteria: LabCorp Variant Classification Summary - May 2015. Collection method: clinical testing. Allele origin: germline.
Comment: Variant summary: RPGRIP1L c.1649A>G (p.Gln550Arg) results in a conservative amino acid change in the encoded protein sequence. Algorithms developed to predict the effect of missense changes on protein structure and function are either unavailable or do not agree on the potential impact of this missense change. The variant allele was found at a frequency of 8e-06 in 251368 control chromosomes. c.1649A>G has been observed in individuals affected with Joubert Syndrome and was found to segregate with disease in a family (Alazami_2012). These data indicate that the variant is very likely to be associated with disease. To our knowledge, no experimental evidence demonstrating an impact on protein function has been reported. The following publication has been ascertained in the context of this evaluation (PMID: 22693042). ClinVar contains an entry for this variant (Variation ID: 942932). Based on the evidence outlined above, the variant was classified as pathogenic.

Labcorp Genetics (formerly Invitae), Labcorp
Classification: Pathogenic for Joubert syndrome; Meckel-Gruber syndrome. Last evaluated: 2022-06-02. Review status: criteria provided, single submitter. Criteria: Invitae Variant Classification Sherloc (09022015). Collection method: clinical testing. Allele origin: germline.
Comment: For these reasons, this variant has been classified as Pathogenic. Algorithms developed to predict the effect of sequence changes on RNA splicing suggest that this variant may disrupt the consensus splice site. Algorithms developed to predict the effect of missense changes on protein structure and function (SIFT, PolyPhen-2, Align-GVGD) all suggest that this variant is likely to be tolerated. ClinVar contains an entry for this variant (Variation ID: 942932). This missense change has been observed in individuals with Joubert syndrome (PMID: 22693042, 29620724). It has also been observed to segregate with disease in related individuals. This variant is present in population databases (rs772900011, gnomAD 0.006%). This sequence change replaces glutamine, which is neutral and polar, with arginine, which is basic and polar, at codon 550 of the RPGRIP1L protein (p.Gln550Arg).

Literature cited by the submitters: PubMed 22693042 (cited by Women's Health and Genetics/Laboratory Corporation of America, LabCorp and Labcorp Genetics (formerly Invitae), Labcorp); PubMed 29620724 (cited by Labcorp Genetics (formerly Invitae), Labcorp).

NM_015272.5(RPGRIP1L):c.1649A>G (p.Gln550Arg)

Gene: RPGRIP1L (RPGRIP1 like; minus strand). Cytogenetic location: 16q12.2.
Variant type: single nucleotide variant.
Coding change: c.1649A>G on transcript NM_015272.5 (MANE Select); coding-DNA position 1649, A replaced by G.
Protein change: p.Gln550Arg; replaces glutamine 550 with arginine.
Molecular consequence: missense variant.
Genome position (GRCh38, 1-based): chr16:53,656,522, T>C on the plus strand (A>G on the coding strand, the complement: RPGRIP1L is on the minus strand). VCF-style: chr16-53656522-T-C. GRCh37 (hg19) VCF-style: chr16-53690434-T-C.
Other names: c.1649A>G, p.Gln550Arg (NM_001127897.4, NM_001308334.3, NM_001330538.2); short protein forms Q550R.
Identifiers: ClinVar variation 942932 (VCV000942932.11), dbSNP rs772900011, ClinGen allele CA8057744.